The following is an entry in ClinVar:

NM_001365480.1(CCDC88A):c.5092-7del

Gene: CCDC88A (coiled-coil and HOOK domain protein 88A; minus strand). Cytogenetic location: 2p16.1.
Variant type: Deletion.
Coding change: c.5092-7del on transcript NM_001365480.1 (MANE Select); 7 bases into the intron before coding-DNA position 5092, one base deleted (T; older notation c.5092-7delT).
Molecular consequence: intron variant.
Genome position (GRCh38, 1-based): chr2:55,296,063, A deleted on the plus strand (T on the coding strand, the reverse complement: CCDC88A is on the minus strand); the first of 9 consecutive A bases (chr2:55,296,063-55,296,071); deleting any one gives the same sequence. VCF-style (leftmost placement, unchanged base first): chr2-55296062-TA-T. GRCh37 (hg19) VCF-style: chr2-55523198-TA-T.
Other names: c.5089-7delT (NM_001135597.1); c.5089-7del (NM_001254943.2, NM_001135597.2); c.5008-7del (NM_018084.5).
Identifiers: ClinVar variation 1168474 (VCV001168474.11), dbSNP rs543844398, ClinGen allele CA1665387.

ClinVar aggregate classification (germline): Benign. Review status: criteria provided, single submitter (1 of 4 stars). 2 submissions from 2 submitters: Benign (1). 1 of the submissions does not count toward it. Last evaluated 2026-01-27.

Conditions:
CCDC88A-related disorder. Also called: CCDC88A-related condition.

Submissions (2):

Labcorp Genetics (formerly Invitae), Labcorp
Classification: Benign. Last evaluated: 2026-01-27. Review status: criteria provided, single submitter. Criteria: Invitae Variant Classification Sherloc (09022015). Collection method: clinical testing. Allele origin: germline.

PreventionGenetics, part of Exact Sciences
Classification: Likely benign for CCDC88A-related condition. Last evaluated: 2020-02-26. Review status: no assertion criteria provided. Collection method: clinical testing. Allele origin: germline. Not counted in ClinVar's aggregate classification.
Comment: This variant is classified as likely benign based on ACMG/AMP sequence variant interpretation guidelines (Richards et al. 2015 PMID: 25741868, with internal and published modifications).